The following is an entry in ClinVar:

ClinVar aggregate classification (germline): Conflicting classifications of pathogenicity. Review status: criteria provided, conflicting classifications (1 of 4 stars). 10 submissions from 10 submitters: Pathogenic (1); Likely pathogenic (6); Uncertain significance (1). 2 of the submissions do not count toward it. Last evaluated 2026-07-21.

Conditions:
Cardiac arrhythmia. Also called: Arrhythmia; Cardiac rhythm disease. Identifiers: MedGen C0003811, MONDO:0007263, HP:0011675.
KCNQ1-related disorder. Also called: KCNQ1-related condition; KCNQ1-related disorders. Identifiers: MedGen CN239322.
Cardiovascular phenotype. Identifiers: MedGen CN230736.
Familial long QT syndrome (RWS). Also called: Congenital long QT syndrome; Romano-Ward syndrome; VENTRICULAR FIBRILLATION WITH PROLONGED QT INTERVAL. Identifiers: Orphanet 768, MedGen C1141890, MONDO:0019171.
Long QT syndrome (LQTS). Identifiers: MedGen C0023976, MeSH D008133, MONDO:0002442. Disease mechanism: loss of function. Inheritance: Various modes of inheritance.
Long QT syndrome 1 (LQT1). Identifiers: Orphanet 101016, Orphanet 768, MedGen C4551647, MONDO:0100316, OMIM 192500, MONDO:0008646.

Allele frequency attached by ClinVar (database versions not stated): TOPMed 0.00002; gnomAD 0.00001; ExAC 0.00002; gnomAD exomes 0.00001.
gnomAD v4.1: 16 of 1,612,932 alleles (0.00099%); highest among the groups gnomAD compares: Middle Eastern, 0.016%; no homozygotes.

Submissions 1 to 7 of 10:

GeneDx
Classification: Likely pathogenic. Last evaluated: 2026-07-21. Review status: criteria provided, single submitter. Criteria: GeneDx Variant Classification Process June 2021. Collection method: clinical testing. Allele origin: germline.
Comment: Not observed at significant frequency in large population cohorts (gnomAD); In vitro functional studies demonstrated that V215M alters potassium current kinetics; however, a complete loss of function was not demonstrated and it is uncertain whether these experiments replicate in vivo conditions (PMID: 20421371, 27690226); In silico analysis suggests that this missense variant does not alter protein structure/function; This variant is associated with the following publications: (PMID: 26633542, 19841300, 23098067, 22949429, 25916402, 27690226, 37937776, 34426522, 19716085, 31865382, 34505893, 37449562, 32893267, 1484536, 23392653, 20421371, 16414944, 28438721, 19632626, 28589536, 40008663)

Labcorp Genetics (formerly Invitae), Labcorp
Classification: Pathogenic for Long QT syndrome. Last evaluated: 2025-10-07. Review status: criteria provided, single submitter. Criteria: Invitae Variant Classification Sherloc (09022015). Collection method: clinical testing. Allele origin: germline.
Comment: This sequence change replaces valine, which is neutral and non-polar, with methionine, which is neutral and non-polar, at codon 215 of the KCNQ1 protein (p.Val215Met). This variant is present in population databases (rs17215479, gnomAD 0.007%). This missense change has been observed in individuals with long QT syndrome (PMID: 16414944, 22949429, 23098067, 23392653; external communication). ClinVar contains an entry for this variant (Variation ID: 53081). Invitae Evidence Modeling of protein sequence and biophysical properties (such as structural, functional, and spatial information, amino acid conservation, physicochemical variation, residue mobility, and thermodynamic stability) has been performed for this missense variant. However, the output from this modeling did not meet the statistical confidence thresholds required to predict the impact of this variant on KCNQ1 protein function. Experimental studies have shown that this missense change affects KCNQ1 function (PMID: 20421371). For these reasons, this variant has been classified as Pathogenic.

Color Diagnostics, LLC DBA Color Health
Classification: Likely pathogenic for Cardiac arrhythmia. Last evaluated: 2025-06-17. Review status: criteria provided, single submitter. Criteria: ACMG Guidelines, 2015. Collection method: clinical testing. Allele origin: germline.
Comment: This missense variant replaces valine with methionine at codon 215 of the KCNQ1 protein. This variant is found within a highly conserved region of the transmembrane domain S3. Rare nontruncating variants in this region have been shown to be significantly overrepresented in individuals with long QT syndrome (PMID: 32893267). Functional studies have shown that this variant affects potassium channel activation and deactivation kinetics (PMID: 20421371, 27690226, 31865382). This variant has been reported in several heterozygous individuals affected with long QT syndrome (PMID: 16414944, 19716085, 19841300, 23098067, 32893267, ClinVar SCV001484536.3). The variant has also been observed in compound heterozygous state with a known pathogenic KCNQ1 variant in an individual with severe long QT syndrome in the absence of an auditory phenotype, whose father was an asymptomatic carrier with prolonged QTc interval (PMID: 23392653). This variant has been described as a founder mutation in the Icelandic population and has shown a significant association with prolonged QTc interval in a large population study (PMID: 37449562). However, compared to other pathogenic variants that cause long QT syndrome, this variant is not associated with severe clinical events such as sudden cardiac death. This variant has only been identified in 3/250306 chromosomes in the general population by the Genome Aggregation Database (gnomAD). Based on the available evidence, this variant is classified as Likely Pathogenic.

Women's Health and Genetics/Laboratory Corporation of America, LabCorp
Classification: Likely pathogenic for Long QT syndrome. Last evaluated: 2025-04-04. Review status: criteria provided, single submitter. Criteria: LabCorp Variant Classification Summary - May 2015. Collection method: clinical testing. Allele origin: germline.
Comment: Variant summary: KCNQ1 c.643G>A (p.Val215Met) results in a conservative amino acid change in the encoded protein sequence. Three of five in-silico tools predict a damaging effect of the variant on protein function. The variant allele was found at a frequency of 1.2e-05 in 250306 control chromosomes. c.643G>A has been reported in the literature in individuals affected with Long QT Syndrome (e.g. Napolitano_2005, Stattin_2012, Schwartz_2021) and in the compound heterozygous state together with a nonsense variant in an individual with a more severe LQTS phenotype without hearing loss whose heterozygous father was clinically asymptommatic, but had an increased QT interval upon examination (Giudicessi_2013). Additionally, a large study in an Icelandic population found that the variant was significantly associated with an increased QT interval, but not with severe cardiac events, suggesting it may be related to a milder phenotype (Sveinbjornsson_2023). At least two publications report experimental evidence evaluating an impact on protein function and found that the variant reduces channel function compared to the WT protein (e.g. Eldstrom_2010, Liin_2016). The following publications have been ascertained in the context of this evaluation (PMID: 20421371, 23392653, 27690226, 16414944, 34505893, 23098067, 37449562). ClinVar contains an entry for this variant (Variation ID: 53081). Based on the evidence outlined above, the variant was classified as likely pathogenic.

Ambry Genetics
Classification: Likely pathogenic for Cardiovascular phenotype. Last evaluated: 2024-07-05. Review status: criteria provided, single submitter. Criteria: Ambry Variant Classification Scheme 2023. Collection method: clinical testing. Allele origin: germline.
Comment: The p.V215M variant (also known as c.643G>A), located in coding exon 4 of the KCNQ1 gene, results from a G to A substitution at nucleotide position 643. The valine at codon 215 is replaced by methionine, an amino acid with highly similar properties. This alteration has been detected in multiple individuals with features of long QT syndrome (LQTS) or who were suspected to have LQTS, and co-occurred in trans with a nonsense variant in KCNQ1 in a proband with severe QTc prolongation and normal hearing (Napolitano C et al. JAMA, 2005 Dec;294:2975-80; Kapplinger JD et al. Heart Rhythm, 2009 Sep;6:1297-303; Kapa S et al. Circulation, 2009 Nov;120:1752-60; Pundi KN et al. Heart Rhythm, 2015 Apr;12:776-81). This variant has been reported as an Icelandic founder mutation associated with QTc prolongation; however, this variant was associated with a less severe clinical phenotype and lower rate of sudden cardiac arrest/death when compared to other pathogenic KCNQ1 variants (Sveinbjornsson G. et al. J Am Heart Assoc. 2023 Jul;12(14):e029845). This amino acid position is highly conserved in available vertebrate species. In addition, this alteration is predicted to be deleterious by in silico analysis. Based on the majority of available evidence to date, this variant is likely to be pathogenic.

Blueprint Genetics
Classification: Likely pathogenic for KCNQ1-related disorders. Last evaluated: 2023-11-01. Review status: criteria provided, single submitter. Criteria: ACMG Guidelines, 2015. Collection method: clinical testing. Allele origin: germline. Affected: yes. Observed: 5 variant alleles.

Clinical Genetics Laboratory, Skane University Hospital Lund
Classification: Likely pathogenic. Last evaluated: 2022-07-13. Review status: criteria provided, single submitter. Criteria: ACMG Guidelines, 2015. Collection method: clinical testing. Allele origin: germline. Affected: yes.

NM_000218.3(KCNQ1):c.643G>A (p.Val215Met)

Gene: KCNQ1 (potassium voltage-gated channel subfamily Q member 1; plus strand). Cytogenetic location: 11p15.5.
Variant type: single nucleotide variant.
Coding change: c.643G>A on transcript NM_000218.3 (MANE Select); coding-DNA position 643, G replaced by A.
Protein change: p.Val215Met; replaces valine 215 with methionine.
Molecular consequence: missense variant.
Genome position (GRCh38, 1-based): chr11:2,571,363, G>A. VCF-style: chr11-2571363-G-A. GRCh37 (hg19) VCF-style: chr11-2592593-G-A.
Other names: c.643G>A (LRG_287t1); c.643G>A, p.Val215Met (NM_001406836.1); c.373G>A, p.Val125Met (NM_001406837.1); c.262G>A, p.Val88Met (NM_181798.2); short protein forms V215M, V88M, V125M.
Identifiers: ClinVar variation 53081 (VCV000053081.40), dbSNP rs17215479, ClinGen allele CA007820.